The following is an entry in ClinVar:

NM_130837.3(OPA1):c.2661+2T>C

Gene: OPA1 (OPA1 mitochondrial dynamin like GTPase; plus strand). Cytogenetic location: 3q29.
Variant type: single nucleotide variant.
Coding change: c.2661+2T>C on transcript NM_130837.3 (MANE Select); the canonical splice donor site of the intron after coding-DNA position 2661, T replaced by C.
Molecular consequence: splice donor variant.
Genome position (GRCh38, 1-based): chr3:193,662,964, T>C. VCF-style: chr3-193662964-T-C. GRCh37 (hg19) VCF-style: chr3-193380753-T-C.
Other names: c.2124+2T>C (NM_001354664.2); c.2127+2T>C (NM_001354663.2); c.2550+2T>C (NM_130834.3); c.2607+2T>C (NM_130836.3); c.2496+2T>C (NM_015560.3); c.2553+2T>C (NM_130835.3); c.2442+2T>C (NM_130832.3); c.2499+2T>C (NM_130833.3); and 1 more.
Identifiers: ClinVar variation 2684278 (VCV002684278.3), dbSNP rs2475135585, ClinGen allele CA355793380.
Genomic context (GRCh38, chr3:193,662,964, plus strand): 5'-AAATAACCACAGTCCGGAAGAACCTTGAATCCCGAGGAGTAGAAGTAGATCCAAGCTTGG[T>C]AATAAATACTGCTGAGAAGCAGGAATCTGCTTCCTTAATATTTGTTTCTTGCAGTAAATG-3'

ClinVar aggregate classification (germline): Likely pathogenic. Review status: criteria provided, multiple submitters, no conflicts (2 of 4 stars). 3 submissions from 3 submitters: Likely pathogenic (3). Last evaluated 2025-11-03.

Conditions:
OPA1-related disorder. Also called: OPA1-related condition; OPA1-related disorders.

Submissions (3):

Labcorp Genetics (formerly Invitae), Labcorp
Classification: Likely pathogenic. Last evaluated: 2025-11-03. Review status: criteria provided, single submitter. Criteria: Invitae Variant Classification Sherloc (09022015). Collection method: clinical testing. Allele origin: germline.
Comment: This sequence change affects a donor splice site in intron 24 of the OPA1 gene. It is expected to disrupt RNA splicing. Variants that disrupt the donor or acceptor splice site typically lead to a loss of protein function (PMID: 16199547), and loss-of-function variants in OPA1 are known to be pathogenic (PMID: 11440988, 20157015, 20952381, 25012220). This variant is not present in population databases (gnomAD no frequency). Disruption of this splice site has been observed in individual(s) with OPA1-related conditions (PMID: 19319978, 28081242, 33841295, 38219857). This variant is also known as c.2661+2T>C. ClinVar contains an entry for this variant (Variation ID: 2684278). Algorithms developed to predict the effect of sequence changes on RNA splicing suggest that this variant may disrupt the consensus splice site. In summary, the currently available evidence indicates that the variant is pathogenic, but additional data are needed to prove that conclusively. Therefore, this variant has been classified as Likely Pathogenic.

Athena Diagnostics
Classification: Likely pathogenic. Last evaluated: 2023-09-07. Review status: criteria provided, single submitter. Criteria: Athena Diagnostics Criteria. Collection method: clinical testing. Allele origin: unknown.
Comment: This variant is expected to severely impact normal RNA splicing, and consequently, protein structure and/or function. This variant has been identified in at least one individual with optic atrophy. This variant has not been reported in large, multi-ethnic general populations.

Blueprint Genetics
Classification: Likely pathogenic for OPA1-related disorders. Last evaluated: 2020-11-13. Review status: criteria provided, single submitter. Criteria: ACMG Guidelines, 2015. Collection method: clinical testing. Allele origin: germline. Affected: yes. Observed: 1 variant allele.

Literature cited by the submitters: PubMed 16199547 (cited by Labcorp Genetics (formerly Invitae), Labcorp); PubMed 11440988 (cited by Labcorp Genetics (formerly Invitae), Labcorp); PubMed 20157015 (cited by Labcorp Genetics (formerly Invitae), Labcorp); PubMed 20952381 (cited by Labcorp Genetics (formerly Invitae), Labcorp); PubMed 25012220 (cited by Labcorp Genetics (formerly Invitae), Labcorp); PubMed 19319978 (cited by Labcorp Genetics (formerly Invitae), Labcorp and Athena Diagnostics); PubMed 28081242 (cited by Labcorp Genetics (formerly Invitae), Labcorp and Athena Diagnostics); PubMed 33841295 (cited by Labcorp Genetics (formerly Invitae), Labcorp and Athena Diagnostics); PubMed 38219857 (cited by Labcorp Genetics (formerly Invitae), Labcorp).